The following is an entry in ClinVar:

NM_005732.4(RAD50):c.1701G>T (p.Leu567Phe)

Gene: RAD50 (RAD50 double strand break repair protein; plus strand). Cytogenetic location: 5q31.1.
Variant type: single nucleotide variant.
Coding change: c.1701G>T on transcript NM_005732.4 (MANE Select); coding-DNA position 1701, G replaced by T.
Protein change: p.Leu567Phe; replaces leucine 567 with phenylalanine.
Molecular consequence: missense variant.
Genome position (GRCh38, 1-based): chr5:132,591,942, G>T. VCF-style: chr5-132591942-G-T. GRCh37 (hg19) VCF-style: chr5-131927634-G-T.
Other names: short protein forms L567F.
Identifiers: ClinVar variation 2000615 (VCV002000615.4), dbSNP rs2479643580, ClinGen allele CA360946460.

ClinVar aggregate classification (germline): Uncertain significance (1 of 4 stars; one submission).

Conditions:
Hereditary cancer-predisposing syndrome. Also called: Neoplastic Syndromes, Hereditary; Hereditary neoplastic syndrome; Tumor predisposition; Hereditary Cancer Syndrome. Identifiers: Orphanet 140162, MedGen C0027672, MeSH D009386, MONDO:0015356.

Submission:

Labcorp Genetics (formerly Invitae), Labcorp
Classification: Uncertain significance for Hereditary cancer-predisposing syndrome. Last evaluated: 2023-01-31. Review status: criteria provided, single submitter. Criteria: Invitae Variant Classification Sherloc (09022015). Collection method: clinical testing. Allele origin: germline.
Comment: In summary, the available evidence is currently insufficient to determine the role of this variant in disease. Therefore, it has been classified as a Variant of Uncertain Significance. Advanced modeling of protein sequence and biophysical properties (such as structural, functional, and spatial information, amino acid conservation, physicochemical variation, residue mobility, and thermodynamic stability) performed at Invitae indicates that this missense variant is not expected to disrupt RAD50 protein function. This variant has not been reported in the literature in individuals affected with RAD50-related conditions. This variant is not present in population databases (gnomAD no frequency). This sequence change replaces leucine, which is neutral and non-polar, with phenylalanine, which is neutral and non-polar, at codon 567 of the RAD50 protein (p.Leu567Phe).